The following is an entry in ClinVar:

ClinVar aggregate classification (germline): Pathogenic/Likely pathogenic. Review status: criteria provided, multiple submitters, no conflicts (2 of 4 stars). 2 submissions from 2 submitters: Pathogenic (1); Likely pathogenic (1). Last evaluated 2022-09-12.

Conditions:
Congenital myasthenic syndrome 3B (CMS3B). Also called: Myasthenic syndrome, congenital, 3B, fast-channel. Identifiers: Orphanet 590, MedGen C4225371, MONDO:0014584, OMIM 616322.
Lethal multiple pterygium syndrome (LMPS). Identifiers: Orphanet 33108, MedGen C1854678, MONDO:0009668, OMIM 253290.

Submissions (2):

Labcorp Genetics (formerly Invitae), Labcorp
Classification: Pathogenic for Lethal multiple pterygium syndrome. Last evaluated: 2022-09-12. Review status: criteria provided, single submitter. Criteria: Invitae Variant Classification Sherloc (09022015). Collection method: clinical testing. Allele origin: germline.
Comment: For these reasons, this variant has been classified as Pathogenic. ClinVar contains an entry for this variant (Variation ID: 1324077). This variant has not been reported in the literature in individuals affected with CHRND-related conditions. This variant is not present in population databases (gnomAD no frequency). This sequence change creates a premature translational stop signal (p.Trp83*) in the CHRND gene. It is expected to result in an absent or disrupted protein product. Loss-of-function variants in CHRND are known to be pathogenic (PMID: 11435464, 25264167).

New York Genome Center
Classification: Likely pathogenic for Congenital myasthenic syndrome 3B. Last evaluated: 2021-05-21. Review status: criteria provided, single submitter. Criteria: NYGC Assertion Criteria 2020. Collection method: clinical testing. Allele origin: inherited. Observed: 1 heterozygote. Study: CSER-NYCKidSeq.

Literature cited by the submitters: PubMed 11435464 (cited by Labcorp Genetics (formerly Invitae), Labcorp); PubMed 25264167 (cited by Labcorp Genetics (formerly Invitae), Labcorp).

NM_000751.3(CHRND):c.248G>A (p.Trp83Ter)

Gene: CHRND (cholinergic receptor nicotinic delta subunit; plus strand). Cytogenetic location: 2q37.1.
Variant type: single nucleotide variant.
Coding change: c.248G>A on transcript NM_000751.3 (MANE Select); coding-DNA position 248, G replaced by A.
Protein change: p.Trp83Ter; replaces tryptophan 83 with a stop codon.
Molecular consequence: nonsense. On other transcripts: 5 prime UTR variant (2).
Genome position (GRCh38, 1-based): chr2:232,528,266, G>A. VCF-style: chr2-232528266-G-A. GRCh37 (hg19) VCF-style: chr2-233392976-G-A.
Other names: c.203G>A, p.Trp68Ter (NM_001256657.2); c.-24G>A (NM_001311195.2, NM_001311196.2); short protein forms W68*, W83*.
Identifiers: ClinVar variation 1324077 (VCV001324077.7), dbSNP rs2106208285, ClinGen allele CA350997383.